The following is an entry in ClinVar:

NM_024700.4(SNIP1):c.749C>T (p.Pro250Leu)

Genes: SNIP1 (Smad nuclear interacting protein 1; minus strand), LOC126805704 (BRD4-independent group 4 enhancer GRCh37_chr1:38005292-38006491; plus strand). Cytogenetic location: 1p34.3.
Variant type: single nucleotide variant.
Coding change: c.749C>T on transcript NM_024700.4 (MANE Select); coding-DNA position 749, C replaced by T.
Protein change: p.Pro250Leu; replaces proline 250 with leucine.
Molecular consequence: missense variant.
Genome position (GRCh38, 1-based): chr1:37,540,334, G>A on the plus strand (C>T on the coding strand, the complement: SNIP1 is on the minus strand). VCF-style: chr1-37540334-G-A. GRCh37 (hg19) VCF-style: chr1-38005935-G-A.
Other names: short protein forms P250L.
Identifiers: ClinVar variation 3719375 (VCV003719375.2).
Genomic context (GRCh38, chr1:37,540,334, plus strand): 5'-AGCACCTCATCATTTTTAAATGGGTAGAGACGCCACCGTTTTTTGGGGATACGTGCTTCT[G>A]GGGGCTCACTATATTTAATGACTACACCCCGGAAAGTGTTGGTGTCCTCAAGAAGTGCCC-3'
Protein context (NP_078976.2, residues 240-260): RGVVIKYSEP[Pro250Leu]EARIPKKRWR

ClinVar aggregate classification (germline): Uncertain significance (1 of 4 stars; one submission).

Submission:

Labcorp Genetics (formerly Invitae), Labcorp
Classification: Uncertain significance. Last evaluated: 2024-06-18. Review status: criteria provided, single submitter. Criteria: Invitae Variant Classification Sherloc (09022015). Collection method: clinical testing. Allele origin: germline.
Comment: This sequence change replaces proline, which is neutral and non-polar, with leucine, which is neutral and non-polar, at codon 250 of the SNIP1 protein (p.Pro250Leu). This variant is not present in population databases (gnomAD no frequency). This variant has not been reported in the literature in individuals affected with SNIP1-related conditions. Advanced modeling of protein sequence and biophysical properties (such as structural, functional, and spatial information, amino acid conservation, physicochemical variation, residue mobility, and thermodynamic stability) has been performed at Invitae for this missense variant, however the output from this modeling did not meet the statistical confidence thresholds required to predict the impact of this variant on SNIP1 protein function. In summary, the available evidence is currently insufficient to determine the role of this variant in disease. Therefore, it has been classified as a Variant of Uncertain Significance.